The following is an entry in ClinVar:

NC_000017.10:g.(?_80851403)_(80867203_?)del

Gene: TBCD (tubulin folding cofactor D). Cytogenetic location: 17q25.3.
Variant type: Deletion.
Identifiers: ClinVar variation 3243171 (VCV003243171.1).

ClinVar aggregate classification (germline): Pathogenic (1 of 4 stars; one submission).

Submission:

Labcorp Genetics (formerly Invitae), Labcorp
Classification: Pathogenic. Last evaluated: 2023-05-05. Review status: criteria provided, single submitter. Criteria: Invitae Variant Classification Sherloc (09022015). Collection method: clinical testing. Allele origin: unknown.
Comment: For these reasons, this variant has been classified as Pathogenic. This variant has not been reported in the literature in individuals affected with TBCD-related conditions. This variant is a gross deletion of the genomic region encompassing exon(s) 17-22 of the TBCD gene. This deletion is out-of-frame, and is expected to create a premature termination codon and result in an absent or disrupted protein product. Loss-of-function variants in TBCD are known to be pathogenic (PMID: 27666370, 27666374).

Literature cited by the submitters: PubMed 27666370; PubMed 27666374.